The following is an entry in ClinVar:

NM_033409.4(SLC52A3):c.1296C>A (p.Cys432Ter)

Gene: SLC52A3 (solute carrier family 52 member 3; minus strand). Cytogenetic location: 20p13.
Variant type: single nucleotide variant.
Coding change: c.1296C>A on transcript NM_033409.4 (MANE Select); coding-DNA position 1296, C replaced by A.
Protein change: p.Cys432Ter; replaces cysteine 432 with a stop codon.
Molecular consequence: nonsense.
Genome position (GRCh38, 1-based): chr20:761,140, G>T on the plus strand (C>A on the coding strand, the complement: SLC52A3 is on the minus strand). VCF-style: chr20-761140-G-T. GRCh37 (hg19) VCF-style: chr20-741784-G-T.
Other names: Cys432X; c.1296C>A, p.Cys432Ter (NM_001370085.1, NM_001370086.1); short protein forms C432*.
Identifiers: ClinVar variation 210027 (VCV000210027.4), dbSNP rs758570021, ClinGen allele CA346994.

ClinVar aggregate classification (germline): Conflicting classifications of pathogenicity. Review status: criteria provided, conflicting classifications (1 of 4 stars). 3 submissions from 3 submitters: Likely pathogenic (1); Uncertain significance (1). 1 of the submissions does not count toward it. Last evaluated 2024-11-07.

Conditions:
SLC52A3-related disorder. Also called: SLC52A3-related condition.
Brown-Vialetto-van Laere syndrome 1. Also called: BROWN-VIALETTO-VAN LAERE SYNDROME 1, MILD; BULBAR PALSY, PROGRESSIVE, WITH SENSORINEURAL DEAFNESS; PONTOBULBAR PALSY WITH DEAFNESS. Identifiers: Orphanet 572550, Orphanet 97229, MedGen C0796274, MONDO:0024537, OMIM 211530.

Allele frequency attached by ClinVar (database versions not stated): TOPMed below 0.00001; gnomAD 0.00001.
gnomAD v4.1: 4 of 1,591,378 alleles (0.00025%); highest among the groups gnomAD compares: Non-Finnish European, 0.00026%; no homozygotes.

Submissions (3):

Blueprint Genetics
Classification: Likely pathogenic for SLC52A3-related disorders. Last evaluated: 2024-11-07. Review status: criteria provided, single submitter. Criteria: ACMG Guidelines, 2015. Collection method: clinical testing. Allele origin: germline. Affected: yes. Observed: 3 variant alleles.

3billion
Classification: Uncertain significance for SLC52A3-related disorder. Last evaluated: 2024-06-04. Review status: criteria provided, single submitter. Criteria: ACMG Guidelines, 2015. Collection method: clinical testing. Allele origin: germline. Affected: yes.
Comment: The variant is observed at an extremely low frequency in the gnomAD v4.0.0 dataset (total allele frequency: <0.001%). Predicted Consequence/Location: Stop-gained (nonsense): predicted to result in a loss or disruption of normal protein function through protein truncation. The predicted truncated protein may be shortened by less than 10%. The variant has been reported to be associated with SLC52A3 related disorder (PMID: 22824638). Therefore, this variant is classified as VUS according to the recommendation of ACMG/AMP guideline.

GeneReviews
No classification provided. Condition: Brown-Vialetto-van Laere syndrome 1. Review status: no classification provided. Collection method: literature only. Allele origin: germline. Affected: yes. Not counted in ClinVar's aggregate classification.

Literature cited by the submitters: PubMed 22824638 (cited by 3billion and GeneReviews); NCBI Bookshelf NBK299312 (cited by GeneReviews).